The following is an entry in ClinVar:

ClinVar aggregate classification (germline): Benign (1 of 4 stars; one submission).

Conditions:
Pyruvate carboxylase deficiency. Also called: ATAXIA WITH LACTIC ACIDOSIS II; LEIGH NECROTIZING ENCEPHALOPATHY DUE TO PYRUVATE CARBOXYLASE DEFICIENCY; LEIGH SYNDROME DUE TO PYRUVATE CARBOXYLASE DEFICIENCY; PC DEFICIENCY; Pyruvate Carboxylase Deficiency Disease. Identifiers: Orphanet 3008, MedGen C0034341, MONDO:0009949, OMIM 266150.

Allele frequency attached by ClinVar (database versions not stated): gnomAD 0.01273 and 0.01355; TOPMed 0.01444; 1000 Genomes Project 0.01657; 1000 Genomes Project 30x 0.01686.

Submission:

Illumina Laboratory Services, Illumina
Classification: Benign for Pyruvate carboxylase deficiency. Last evaluated: 2018-01-13. Review status: criteria provided, single submitter. Criteria: ICSL Variant Classification Criteria 13 December 2019. Collection method: clinical testing. Allele origin: germline.
Comment: This variant was observed in the ICSL laboratory as part of a predisposition screen in an ostensibly healthy population. It had not been previously curated by ICSL or reported in the Human Gene Mutation Database (HGMD: prior to June 1st, 2018), and was therefore a candidate for classification through an automated scoring system. Utilizing variant allele frequency, disease prevalence and penetrance estimates, and inheritance mode, an automated score was calculated to assess if this variant is too frequent to cause the disease. Based on the score and internal cut-off values, a variant classified as benign is not then subjected to further curation. The score for this variant resulted in a classification of benign for this disease.

NM_001040716.2(PC):c.-274A>C

Genes: PC (pyruvate carboxylase; minus strand), LOC130006147 (ATAC-STARR-seq lymphoblastoid active region 5062; plus strand). Cytogenetic location: 11q13.2.
Variant type: single nucleotide variant.
Coding change: c.-274A>C on transcript NM_001040716.2 (MANE Select); 274 bases upstream of the start codon, A replaced by C.
Molecular consequence: 5 prime UTR variant.
Genome position (GRCh38, 1-based): chr11:66,958,368, T>G on the plus strand (A>C on the coding strand, the complement: PC is on the minus strand). VCF-style: chr11-66958368-T-G. GRCh37 (hg19) VCF-style: chr11-66725839-T-G.
Other names: c.-86A>C (NM_000920.4).
Identifiers: ClinVar variation 305636 (VCV000305636.5), dbSNP rs192495346, ClinGen allele CA10631335.
Genomic context (GRCh38, chr11:66,958,368, plus strand): 5'-CGGCGGACACTCACCTCCTCGCCGTCGCCAGTCCTCGCCGCCGCCTCTACCGCTGCTGCC[T>G]CCACTGACAGAGAACAGCTGCGGTCTCCGTGCAACCGAACTTGCTGCAGTCCCGGCCCCG-3'